The following is an entry in ClinVar:

NM_000338.3(SLC12A1):c.2095G>A (p.Asp699Asn)

Gene: SLC12A1 (solute carrier family 12 member 1; plus strand). Cytogenetic location: 15q21.1.
Variant type: single nucleotide variant.
Coding change: c.2095G>A on transcript NM_000338.3 (MANE Select); coding-DNA position 2095, G replaced by A.
Protein change: p.Asp699Asn; replaces aspartic acid 699 with asparagine.
Molecular consequence: missense variant.
Genome position (GRCh38, 1-based): chr15:48,259,252, G>A. VCF-style: chr15-48259252-G-A. GRCh37 (hg19) VCF-style: chr15-48551449-G-A.
Other names: c.2095G>A (NM_000338.2); c.2095G>A, p.Asp699Asn (NM_001184832.2, NM_001384136.1); short protein forms D699N.
Identifiers: ClinVar variation 1599811 (VCV001599811.10), dbSNP rs528775721, ClinGen allele CA7547283.

ClinVar aggregate classification (germline): Benign/Likely benign. Review status: criteria provided, multiple submitters, no conflicts (2 of 4 stars). 3 submissions from 3 submitters: Benign (1); Likely benign (1). 1 of the submissions does not count toward it. Last evaluated 2026-01-28.

Conditions:
SLC12A1-related disorder. Also called: SLC12A1-related condition.
Bartter disease type 1. Also called: HYPERPROSTAGLANDIN E SYNDROME 1; HYPOKALEMIC ALKALOSIS WITH HYPERCALCIURIA 1, ANTENATAL; Bartter syndrome, type 1, antenatal; Bartter Syndrome type 1. Identifiers: Orphanet 112, Orphanet 620217, MedGen C1866495, MONDO:0100344, OMIM 601678, MONDO:0011127.

Allele frequency attached by ClinVar (database versions not stated): gnomAD 0.00001 and 0.00029; TOPMed 0.00005; gnomAD exomes 0.00040 and 0.00090; ExAC 0.00104; 1000 Genomes Project 30x 0.00172; 1000 Genomes Project 0.00180.
gnomAD v4.1: 630 of 1,613,862 alleles (0.039%); highest among the groups gnomAD compares: South Asian, 0.63%; 3 homozygotes.

Submissions (3):

Labcorp Genetics (formerly Invitae), Labcorp
Classification: Benign. Last evaluated: 2026-01-28. Review status: criteria provided, single submitter. Criteria: Invitae Variant Classification Sherloc (09022015). Collection method: clinical testing. Allele origin: germline.

Fulgent Genetics
Classification: Likely benign for Bartter disease type 1. Last evaluated: 2021-08-04. Review status: criteria provided, single submitter. Criteria: ACMG Guidelines, 2015. Collection method: clinical testing. Allele origin: unknown.

PreventionGenetics, part of Exact Sciences
Classification: Likely benign for SLC12A1-related condition. Last evaluated: 2024-06-15. Review status: no assertion criteria provided. Collection method: clinical testing. Allele origin: germline. Not counted in ClinVar's aggregate classification.
Comment: This variant is classified as likely benign based on ACMG/AMP sequence variant interpretation guidelines (Richards et al. 2015 PMID: 25741868, with internal and published modifications).